The following is an entry in ClinVar:

NM_014244.5(ADAMTS2):c.3089-6C>T

Gene: ADAMTS2 (ADAM metallopeptidase with thrombospondin type 1 motif 2; minus strand). Cytogenetic location: 5q35.3.
Variant type: single nucleotide variant.
Coding change: c.3089-6C>T on transcript NM_014244.5 (MANE Select); 6 bases into the intron before coding-DNA position 3089, C replaced by T.
Molecular consequence: intron variant.
Genome position (GRCh38, 1-based): chr5:179,121,756, G>A on the plus strand (C>T on the coding strand, the complement: ADAMTS2 is on the minus strand). VCF-style: chr5-179121756-G-A. GRCh37 (hg19) VCF-style: chr5-178548757-G-A.
Identifiers: ClinVar variation 1153614 (VCV001153614.35), dbSNP rs1210414674, ClinGen allele CA2499217793.

ClinVar aggregate classification (germline): Conflicting classifications of pathogenicity. Review status: criteria provided, conflicting classifications (1 of 4 stars). 2 submissions from 2 submitters: Uncertain significance (1); Likely benign (1). Last evaluated 2024-03-05.

Conditions:
Ehlers-Danlos syndrome, dermatosparaxis type. Also called: EDS VIIC; Ehlers-Danlos syndrome, type VII, autosomal recessive; Dermatosparaxis. Identifiers: Orphanet 1901, MedGen C2700425, MONDO:0009161, OMIM 225410.

Allele frequency attached by ClinVar (database versions not stated): gnomAD exomes below 0.00001.
gnomAD v4.1: 1 of 1,552,968 alleles (0.000064%); highest among the groups gnomAD compares: Non-Finnish European, 0.000087%; no homozygotes.

Submissions (2):

Labcorp Genetics (formerly Invitae), Labcorp
Classification: Likely benign for Ehlers-Danlos syndrome, dermatosparaxis type. Last evaluated: 2024-03-05. Review status: criteria provided, single submitter. Criteria: Invitae Variant Classification Sherloc (09022015). Collection method: clinical testing. Allele origin: germline.

CeGaT Center for Human Genetics Tuebingen
Classification: Uncertain significance. Last evaluated: 2023-05-01. Review status: criteria provided, single submitter. Criteria: CeGaT Center For Human Genetics Tuebingen Variant Classification Criteria Version 2. Collection method: clinical testing. Allele origin: germline. Affected: yes. Observed: 1 variant allele.
Comment: ADAMTS2: PM2, BP4